The following is an entry in ClinVar:

ClinVar aggregate classification (germline): Uncertain significance. Review status: criteria provided, multiple submitters, no conflicts (2 of 4 stars). 4 submissions from 4 submitters: Uncertain significance (4). Last evaluated 2025-09-24.

Conditions:
Colorectal cancer, hereditary nonpolyposis, type 7. Identifiers: Orphanet 144, MedGen C1858380, MONDO:0013725, OMIM 614385.
Endometrial carcinoma. Also called: Endometrial carcinoma, somatic. Identifiers: MedGen C0476089, MONDO:0002447, OMIM 608089, HP:0012114.
Colorectal cancer. Also called: Colorectal cancer, somatic; Malignant Colorectal Neoplasm. Identifiers: MedGen C0346629, MONDO:0005575, OMIM 114500.

Allele frequency attached by ClinVar (database versions not stated): TOPMed 0.00002; ExAC 0.00001; gnomAD 0.00001; gnomAD exomes 0.00001.
gnomAD v4.1: 11 of 1,614,084 alleles (0.00068%); highest among the groups gnomAD compares: Admixed American, 0.0017%; no homozygotes.

Submissions (4):

Labcorp Genetics (formerly Invitae), Labcorp
Classification: Uncertain significance for Colorectal cancer, hereditary nonpolyposis, type 7. Last evaluated: 2025-09-24. Review status: criteria provided, single submitter. Criteria: Invitae Variant Classification Sherloc (09022015). Collection method: clinical testing. Allele origin: germline.
Comment: This sequence change replaces glutamine, which is neutral and polar, with arginine, which is basic and polar, at codon 563 of the MLH3 protein (p.Gln563Arg). This variant is present in population databases (rs777324118, gnomAD 0.003%). This variant has not been reported in the literature in individuals affected with MLH3-related conditions. ClinVar contains an entry for this variant (Variation ID: 962599). An algorithm developed to predict the effect of missense changes on protein structure and function (PolyPhen-2) suggests that this variant is likely to be tolerated. In summary, the available evidence is currently insufficient to determine the role of this variant in disease. Therefore, it has been classified as a Variant of Uncertain Significance.

Dasa
Classification: Uncertain significance. Last evaluated: 2024-12-14. Review status: criteria provided, single submitter. Criteria: DASA Assertion Criteria. Collection method: clinical testing. Allele origin: germline.
Comment: NM_001040108.2(MLH3):c.1688A>G (p.Gln563Arg) is a missense variant that results in the substitution of glutamine with arginine. This variant is rare in population databases. Computational prediction algorithms are consistent with a benign effect. The currently available literature and clinical evidence are not sufficient to establish a definitive association between this variant and the reported condition. Therefore, this variant is classified as a variant of uncertain significance.

Ambry Genetics
Classification: Uncertain significance. Last evaluated: 2024-09-23. Review status: criteria provided, single submitter. Criteria: Ambry Variant Classification Scheme 2023. Collection method: clinical testing. Allele origin: germline.
Comment: The p.Q563R variant (also known as c.1688A>G), located in coding exon 1 of the MLH3 gene, results from an A to G substitution at nucleotide position 1688. The glutamine at codon 563 is replaced by arginine, an amino acid with highly similar properties. This amino acid position is not well conserved in available vertebrate species. In addition, this alteration is predicted to be tolerated by in silico analysis. The evidence for this gene-disease relationship is limited; therefore, the clinical significance of this alteration is unclear.

Department of Pathology and Laboratory Medicine, Sinai Health System
Classification: Uncertain significance for Colorectal cancer; Endometrial carcinoma; Colorectal cancer, hereditary nonpolyposis, type 7. Last evaluated: 2023-12-01. Review status: criteria provided, single submitter. Criteria: ACMG Guidelines, 2015. Collection method: clinical testing. Allele origin: germline. Affected: no.

NM_001040108.2(MLH3):c.1688A>G (p.Gln563Arg)

Gene: MLH3 (mutL homolog 3; minus strand). Cytogenetic location: 14q24.3.
Variant type: single nucleotide variant.
Coding change: c.1688A>G on transcript NM_001040108.2 (MANE Select); coding-DNA position 1688, A replaced by G.
Protein change: p.Gln563Arg; replaces glutamine 563 with arginine.
Molecular consequence: missense variant.
Genome position (GRCh38, 1-based): chr14:75,047,968, T>C on the plus strand (A>G on the coding strand, the complement: MLH3 is on the minus strand). VCF-style: chr14-75047968-T-C. GRCh37 (hg19) VCF-style: chr14-75514671-T-C.
Other names: c.1688A>G, p.Gln563Arg (NM_014381.3); short protein forms Q563R.
Identifiers: ClinVar variation 962599 (VCV000962599.16), dbSNP rs777324118, ClinGen allele CA7275835.